The following is an entry in ClinVar:

NM_015425.6(POLR1A):c.694C>T (p.His232Tyr)

Gene: POLR1A (RNA polymerase I subunit A; minus strand). Cytogenetic location: 2p11.2.
Variant type: single nucleotide variant.
Coding change: c.694C>T on transcript NM_015425.6 (MANE Select); coding-DNA position 694, C replaced by T.
Protein change: p.His232Tyr; replaces histidine 232 with tyrosine.
Molecular consequence: missense variant.
Genome position (GRCh38, 1-based): chr2:86,088,602, G>A on the plus strand (C>T on the coding strand, the complement: POLR1A is on the minus strand). VCF-style: chr2-86088602-G-A. GRCh37 (hg19) VCF-style: chr2-86315725-G-A.
Other names: short protein forms H232Y.
Identifiers: ClinVar variation 2983440 (VCV002983440.4), dbSNP rs772139589, ClinGen allele CA1746568.

ClinVar aggregate classification (germline): Uncertain significance. Review status: criteria provided, multiple submitters, no conflicts (2 of 4 stars). 2 submissions from 2 submitters: Uncertain significance (2). Last evaluated 2024-09-10.

Allele frequency attached by ClinVar (database versions not stated): ExAC 0.00002.

Submissions (2):

Women's Health and Genetics/Laboratory Corporation of America, LabCorp
Classification: Uncertain significance. Last evaluated: 2024-09-10. Review status: criteria provided, single submitter. Criteria: LabCorp Variant Classification Summary - May 2015. Collection method: clinical testing. Allele origin: germline.
Comment: Variant summary: POLR1A c.694C>T (p.His232Tyr) results in a conservative amino acid change located in the RNA polymerase Rpb1, domain 1 (IPR007080) of the encoded protein sequence. Four of five in-silico tools predict a benign effect of the variant on protein function. The variant allele was found at a frequency of 1.2e-05 in 249366 control chromosomes, predominantly at a frequency of 2.7e-05 within the Non-Finnish European subpopulation in the gnomAD database. The available data on variant occurrences in the general population are insufficient to allow any conclusion about variant significance. To our knowledge, no occurrence of c.694C>T in individuals affected with Acrofacial Dysostosis Cincinnati Type and no experimental evidence demonstrating its impact on protein function have been reported. ClinVar contains an entry for this variant (Variation ID: 2983440). Based on the evidence outlined above, the variant was classified as uncertain significance.

Labcorp Genetics (formerly Invitae), Labcorp
Classification: Uncertain significance. Last evaluated: 2023-02-25. Review status: criteria provided, single submitter. Criteria: Invitae Variant Classification Sherloc (09022015). Collection method: clinical testing. Allele origin: germline.
Comment: In summary, the available evidence is currently insufficient to determine the role of this variant in disease. Therefore, it has been classified as a Variant of Uncertain Significance. Advanced modeling of protein sequence and biophysical properties (such as structural, functional, and spatial information, amino acid conservation, physicochemical variation, residue mobility, and thermodynamic stability) performed at Invitae indicates that this missense variant is not expected to disrupt POLR1A protein function. This variant has not been reported in the literature in individuals affected with POLR1A-related conditions. This variant is present in population databases (rs772139589, gnomAD 0.004%). This sequence change replaces histidine, which is basic and polar, with tyrosine, which is neutral and polar, at codon 232 of the POLR1A protein (p.His232Tyr).